The following is an entry in ClinVar:

NM_021939.4(FKBP10):c.1276dup (p.Gln426fs)

Gene: FKBP10 (FKBP prolyl isomerase 10; plus strand). Cytogenetic location: 17q21.2.
Variant type: Duplication.
Coding change: c.1276dup on transcript NM_021939.4 (MANE Select); coding-DNA position 1276, one base duplicated (C; older notation c.1276dupC).
Protein change: p.Gln426fs; shifts the reading frame from glutamine 426.
Molecular consequence: frameshift variant.
Genome position (GRCh38, 1-based): chr17:41,820,966, C duplicated; the last of 6 consecutive C bases (chr17:41,820,961-41,820,966); duplicating any one gives the same sequence. VCF-style (leftmost placement, unchanged base first): chr17-41820960-G-GC. GRCh37 (hg19) VCF-style: chr17-39977212-G-GC.
Other names: c.1276dupC (NM_021939.3); short protein forms Q426fs.
Identifiers: ClinVar variation 30633 (VCV000030633.6), dbSNP rs1567856056, ClinGen allele CA913191098.

ClinVar aggregate classification (germline): Pathogenic. Review status: criteria provided, multiple submitters, no conflicts (2 of 4 stars). 4 submissions from 4 submitters: Pathogenic (3). 1 of the submissions does not count toward it. Last evaluated 2026-01-26.

Conditions:
FKBP10-related disorders.
Bruck syndrome 1 (BRKS1). Also called: ARTHROGRYPOSIS-LIKE DISORDER. Identifiers: Orphanet 1149, Orphanet 2771, MedGen C1850168, MONDO:0009806, OMIM 259450.
Osteogenesis imperfecta type 11. Also called: OI, TYPE XI; Osteogenesis imperfecta, type XI. Identifiers: Orphanet 666, MedGen C3151218, MONDO:0012592, OMIM 610968.

Submissions (4):

Labcorp Genetics (formerly Invitae), Labcorp
Classification: Pathogenic. Last evaluated: 2026-01-26. Review status: criteria provided, single submitter. Criteria: Invitae Variant Classification Sherloc (09022015). Collection method: clinical testing. Allele origin: germline.
Comment: This sequence change creates a premature translational stop signal (p.Gln426Profs*54) in the FKBP10 gene. It is expected to result in an absent or disrupted protein product. Loss-of-function variants in FKBP10 are known to be pathogenic (PMID: 22689593, 22949511). This variant is not present in population databases (gnomAD no frequency). This premature translational stop signal has been observed in individual(s) with Bruck syndrome (PMID: 20839288). ClinVar contains an entry for this variant (Variation ID: 30633). For these reasons, this variant has been classified as Pathogenic.

Laboratorio de Genetica e Diagnostico Molecular, Hospital Israelita Albert Einstein
Classification: Pathogenic for Osteogenesis imperfecta type 11. Last evaluated: 2022-08-01. Review status: criteria provided, single submitter. Criteria: ACMG Guidelines, 2015. Collection method: clinical testing. Allele origin: germline. Affected: yes. Observed: 1 variant allele.
Comment: ACMG classification criteria: PVS1 very strong, PS4 supporting, PM2 moderated, PM3 moderated

Blueprint Genetics
Classification: Pathogenic for FKBP10-related disorders. Last evaluated: 2019-05-23. Review status: criteria provided, single submitter. Criteria: ACMG Guidelines, 2015. Collection method: clinical testing. Allele origin: germline. Affected: yes. Observed: 2 variant alleles.

OMIM
Classification: Pathogenic for BRUCK SYNDROME 1. Last evaluated: 2011-03-01. Review status: no assertion criteria provided. Collection method: literature only. Allele origin: germline. Not counted in ClinVar's aggregate classification.

Literature cited by the submitters: PubMed 22689593 (cited by Labcorp Genetics (formerly Invitae), Labcorp); PubMed 22949511 (cited by Labcorp Genetics (formerly Invitae), Labcorp); PubMed 20839288 (cited by Labcorp Genetics (formerly Invitae), Labcorp and OMIM).